The following is an entry in ClinVar:

ClinVar aggregate classification (germline): Uncertain significance. Review status: criteria provided, multiple submitters, no conflicts (2 of 4 stars). 2 submissions from 2 submitters: Uncertain significance (2). Last evaluated 2026-01-28.

Conditions:
Hypertrophic cardiomyopathy. Also called: HYPERTROPHIC MYOCARDIOPATHY. Identifiers: Orphanet 217569, MedGen C0007194, MeSH D002312, MONDO:0005045, HP:0001639.

Submissions (2):

Labcorp Genetics (formerly Invitae), Labcorp
Classification: Uncertain significance for Hypertrophic cardiomyopathy. Last evaluated: 2026-01-28. Review status: criteria provided, single submitter. Criteria: Invitae Variant Classification Sherloc (09022015). Collection method: clinical testing. Allele origin: germline.
Comment: This sequence change replaces glycine, which is neutral and non-polar, with valine, which is neutral and non-polar, at codon 113 of the JPH2 protein (p.Gly113Val). This variant is not present in population databases (gnomAD no frequency). This variant has not been reported in the literature in individuals affected with JPH2-related conditions. ClinVar contains an entry for this variant (Variation ID: 1307654). An algorithm developed to predict the effect of missense changes on protein structure and function (PolyPhen-2) suggests that this variant is likely to be disruptive. In summary, the available evidence is currently insufficient to determine the role of this variant in disease. Therefore, it has been classified as a Variant of Uncertain Significance.

GeneDx
Classification: Uncertain significance. Last evaluated: 2019-08-05. Review status: criteria provided, single submitter. Criteria: GeneDx Variant Classification Process June 2021. Collection method: clinical testing. Allele origin: germline. Affected: yes.
Comment: Has not been previously published as pathogenic or benign to our knowledge; Not observed in large population cohorts (Lek et al., 2016); In silico analysis, which includes protein predictors and evolutionary conservation, supports a deleterious effect

NM_020433.5(JPH2):c.338G>T (p.Gly113Val)

Gene: JPH2 (junctophilin 2; minus strand). Cytogenetic location: 20q13.12.
Variant type: single nucleotide variant.
Coding change: c.338G>T on transcript NM_020433.5 (MANE Select); coding-DNA position 338, G replaced by T.
Protein change: p.Gly113Val; replaces glycine 113 with valine.
Molecular consequence: missense variant.
Genome position (GRCh38, 1-based): chr20:44,186,368, C>A on the plus strand (G>T on the coding strand, the complement: JPH2 is on the minus strand). VCF-style: chr20-44186368-C-A. GRCh37 (hg19) VCF-style: chr20-42815008-C-A.
Other names: c.338G>T, p.Gly113Val (NM_175913.4); short protein forms G113V.
Identifiers: ClinVar variation 1307654 (VCV001307654.3), dbSNP rs2145905804, ClinGen allele CA409095004.